The following is an entry in ClinVar:

NC_000014.8:g.(?_75498761)_(75500203_?)del

Gene: MLH3 (mutL homolog 3; minus strand). Cytogenetic location: 14q24.3.
Variant type: Deletion.
Identifiers: ClinVar variation 1410055 (VCV001410055.6).

ClinVar aggregate classification (germline): Uncertain significance (1 of 4 stars; one submission).

Conditions:
Colorectal cancer, hereditary nonpolyposis, type 7. Identifiers: Orphanet 144, MedGen C1858380, MONDO:0013725, OMIM 614385.

Submission:

Labcorp Genetics (formerly Invitae), Labcorp
Classification: Uncertain significance for Colorectal cancer, hereditary nonpolyposis, type 7. Last evaluated: 2023-10-13. Review status: criteria provided, single submitter. Criteria: Invitae Variant Classification Sherloc (09022015). Collection method: clinical testing. Allele origin: germline.
Comment: This variant is a gross deletion of the genomic region encompassing exon(s) 7-8 of the MLH3 gene. This deletion is out-of-frame, and is expected to create a premature translational stop signal and result in an absent or disrupted protein product. However, the current clinical and genetic evidence is not sufficient to establish whether loss-of-function variants in MLH3 cause disease. This variant has not been reported in the literature in individuals affected with MLH3-related conditions. In summary, the available evidence is currently insufficient to determine the role of this variant in disease. Therefore, it has been classified as a Variant of Uncertain Significance.